The following is an entry in ClinVar:

ClinVar aggregate classification (germline): Uncertain significance (1 of 4 stars; one submission).

Conditions:
Cornelia de Lange syndrome 1 (CDLS1). Also called: Brachmann de Lange syndrome; NIPBL-Related Cornelia de Lange Syndrome; TYPUS DEGENERATIVUS AMSTELODAMENSIS. Identifiers: Orphanet 199, MedGen C4551851, MONDO:0007387, OMIM 122470.

Submission:

Labcorp Genetics (formerly Invitae), Labcorp
Classification: Uncertain significance for Cornelia de Lange syndrome 1. Last evaluated: 2018-10-06. Review status: criteria provided, single submitter. Criteria: Invitae Variant Classification Sherloc (09022015). Collection method: clinical testing. Allele origin: germline.
Comment: This sequence change replaces proline with glutamine at codon 2061 of the NIPBL protein (p.Pro2061Gln). The proline residue is moderately conserved and there is a moderate physicochemical difference between proline and glutamine. This variant is not present in population databases (ExAC no frequency). This variant has not been reported in the literature in individuals with NIPBL-related disease. Algorithms developed to predict the effect of missense changes on protein structure and function are either unavailable or do not agree on the potential impact of this missense change (SIFT: "Deleterious"; PolyPhen-2: "Probably Damaging"; Align-GVGD: "Class C0"). In summary, the available evidence is currently insufficient to determine the role of this variant in disease. Therefore, it has been classified as a Variant of Uncertain Significance.

NM_133433.4(NIPBL):c.6182C>A (p.Pro2061Gln)

Gene: NIPBL (NIPBL cohesin loading factor; plus strand). Cytogenetic location: 5p13.2.
Variant type: single nucleotide variant.
Coding change: c.6182C>A on transcript NM_133433.4 (MANE Select); coding-DNA position 6182, C replaced by A.
Protein change: p.Pro2061Gln; replaces proline 2061 with glutamine.
Molecular consequence: missense variant.
Genome position (GRCh38, 1-based): chr5:37,044,420, C>A. VCF-style: chr5-37044420-C-A. GRCh37 (hg19) VCF-style: chr5-37044522-C-A.
Other names: c.6182C>A, p.Pro2061Gln (NM_015384.5); short protein forms P2061Q.
Identifiers: ClinVar variation 647301 (VCV000647301.8), dbSNP rs587783999, ClinGen allele CA359502191.